The following is an entry in ClinVar:

ClinVar aggregate classification (germline): Likely pathogenic (1 of 4 stars; one submission).

Conditions:
Usher syndrome type 1 (USH1). Also called: RETINITIS PIGMENTOSA AND CONGENITAL DEAFNESS. Identifiers: Orphanet 231169, Orphanet 886, MedGen C1568247, MONDO:0010168, OMIM 276900.

Allele frequency attached by ClinVar (database versions not stated): TOPMed 0.00001.

Submission:

Myriad Genetics, Inc.
Classification: Likely pathogenic for Usher syndrome type 1. Last evaluated: 2020-03-26. Review status: criteria provided, single submitter. Criteria: Myriad Women's Health Autosomal Recessive and X-Linked Classification Criteria (2019). Collection method: clinical testing. Allele origin: unknown.
Comment: NM_000260.3(MYO7A):c.2472C>A(C824*) is expected to be pathogenic in the context of MYO7A-related disorders. This variant is predicted to lead to an abnormal or absent protein product due to the creation of a premature termination codon in MYO7A, a gene where loss-of-function variants are known to be pathogenic. Please note: this variant was assessed in the context of healthy population screening.

NM_000260.4(MYO7A):c.2472C>A (p.Cys824Ter)

Gene: MYO7A (myosin VIIA; plus strand). Cytogenetic location: 11q13.5.
Variant type: single nucleotide variant.
Coding change: c.2472C>A on transcript NM_000260.4 (MANE Select); coding-DNA position 2472, C replaced by A.
Protein change: p.Cys824Ter; replaces cysteine 824 with a stop codon.
Molecular consequence: nonsense.
Genome position (GRCh38, 1-based): chr11:77,179,839, C>A. VCF-style: chr11-77179839-C-A. GRCh37 (hg19) VCF-style: chr11-76890885-C-A.
Other names: c.2472C>A, p.Cys824Ter (NM_001127180.2); c.2439C>A, p.Cys813Ter (NM_001369365.1); short protein forms C813*, C824*.
Identifiers: ClinVar variation 984293 (VCV000984293.3), dbSNP rs1407246264, ClinGen allele CA381941728.